The following is an entry in ClinVar:

ClinVar aggregate classification (germline): Benign. Review status: criteria provided, multiple submitters, no conflicts (2 of 4 stars). 2 submissions from 2 submitters: Benign (2). Last evaluated 2018-01-13.

Conditions:
MHC class II deficiency. Also called: Bare lymphocyte syndrome 2; BLS, TYPE II. Identifiers: Orphanet 572, MedGen C5447452, MONDO:0008855.

Allele frequency attached by ClinVar (database versions not stated): 1000 Genomes Project 0.01957; gnomAD 0.01834 and 0.01975; 1000 Genomes Project 30x 0.02061; TOPMed 0.01968.
gnomAD v4.1: 5,291 of 1,366,228 alleles (0.39%); highest among the groups gnomAD compares: African/African-American, 6.3%; 167 homozygotes.

Submissions (2):

Illumina Laboratory Services, Illumina
Classification: Benign for MHC class II deficiency 1. Last evaluated: 2018-01-13. Review status: criteria provided, single submitter. Criteria: ICSL Variant Classification Criteria 13 December 2019. Collection method: clinical testing. Allele origin: germline.
Comment: This variant was observed in the ICSL laboratory as part of a predisposition screen in an ostensibly healthy population. It had not been previously curated by ICSL or reported in the Human Gene Mutation Database (HGMD: prior to June 1st, 2018), and was therefore a candidate for classification through an automated scoring system. Utilizing variant allele frequency, disease prevalence and penetrance estimates, and inheritance mode, an automated score was calculated to assess if this variant is too frequent to cause the disease. Based on the score and internal cut-off values, a variant classified as benign is not then subjected to further curation. The score for this variant resulted in a classification of benign for this disease.

Breakthrough Genomics
Classification: Benign. Review status: criteria provided, single submitter. Criteria: ACMG Guidelines, 2015. Collection method: not provided. Allele origin: germline. Inheritance: Autosomal recessive inheritance. Affected: yes.

NM_000538.4(RFXAP):c.*55A>G

Gene: RFXAP (regulatory factor X associated protein; plus strand). Cytogenetic location: 13q13.3.
Variant type: single nucleotide variant.
Coding change: c.*55A>G on transcript NM_000538.4 (MANE Select); 55 bases downstream of the stop codon, A replaced by G.
Molecular consequence: 3 prime UTR variant.
Genome position (GRCh38, 1-based): chr13:36,827,808, A>G. VCF-style: chr13-36827808-A-G. GRCh37 (hg19) VCF-style: chr13-37401945-A-G.
Identifiers: ClinVar variation 311794 (VCV000311794.6), dbSNP rs7321405, ClinGen allele CA10634192.